The following is an entry in ClinVar:

NM_017777.4(MKS1):c.1112_1114del (p.Phe371del)

Gene: MKS1 (MKS transition zone complex subunit 1; minus strand). Cytogenetic location: 17q22.
Variant type: Deletion.
Coding change: c.1112_1114del on transcript NM_017777.4 (MANE Select); coding-DNA positions 1112 to 1114, 3 bases deleted (TCT; older notation c.1112_1114delTCT).
Protein change: p.Phe371del; deletes phenylalanine 371.
Molecular consequence: inframe deletion.
Genome position (GRCh38, 1-based): chr17:58,208,156-58,208,158, AGA deleted on the plus strand (TCT on the coding strand, the reverse complement: MKS1 is on the minus strand); deleting any 3 consecutive bases within chr17:58,208,156-58,208,160 gives the same sequence; the c. name uses the placement nearest the transcript's 3' end. VCF-style (leftmost placement, unchanged base first): chr17-58208155-GAGA-G. GRCh37 (hg19) VCF-style: chr17-56285516-GAGA-G.
Other names: MKS1, 3-BP DEL, PHE371DEL; c.503_505del, p.Phe168del (NM_001321268.2); c.1112_1114del, p.Phe371del (NM_001321269.2, NM_001330397.2); c.1112_1114delTCT (NM_017777.3); short protein forms F371del, F168del.
Identifiers: ClinVar variation 1394 (VCV000001394.3), dbSNP rs587777804, ClinGen allele CA251781.

ClinVar aggregate classification (germline): Pathogenic. Review status: criteria provided, single submitter (1 of 4 stars). 2 submissions from 2 submitters: Pathogenic (1). 1 of the submissions does not count toward it. Last evaluated 2012-09-14.

Conditions:
Bardet-Biedl syndrome 13 (BBS13). Identifiers: Orphanet 110, MedGen C2673873, MONDO:0014441, OMIM 615990.

Submissions (2):

InterGenetics
Classification: Pathogenic for Bardet-Biedl syndrome 13. Last evaluated: 2012-09-14. Review status: criteria provided, single submitter. Criteria: ACMG Guidelines, 2015. Collection method: clinical testing. Allele origin: paternal. Inheritance: Autosomal recessive inheritance. Affected: yes. Observed: 1 compound heterozygote.
Comment: The variant is not present in 1000 control Greek chromosomes. In summary, the p.Phe371del variant meets our criteria to be classified as pathogenic.

OMIM
Classification: Pathogenic for BARDET-BIEDL SYNDROME 13. Last evaluated: 2008-04-01. Review status: no assertion criteria provided. Collection method: literature only. Allele origin: germline. Not counted in ClinVar's aggregate classification.

Literature cited by the submitters: PubMed 18327255 (cited by OMIM).